The following is an entry in ClinVar:

ClinVar aggregate classification (germline): Likely benign (0 of 4 stars; one submission).

Conditions:
UBR4-related disorder. Also called: UBR4-related condition.

Allele frequency attached by ClinVar (database versions not stated): 1000 Genomes Project 0.00060; 1000 Genomes Project 30x 0.00078; gnomAD 0.00125; ESP Exome Variant Server 0.00131.
gnomAD v4.1: 382 of 1,614,000 alleles (0.024%); highest among the groups gnomAD compares: African/African-American, 0.44%; 2 homozygotes.

Submission:

PreventionGenetics, part of Exact Sciences
Classification: Likely benign for UBR4-related condition. Last evaluated: 2023-07-30. Review status: no assertion criteria provided. Collection method: clinical testing. Allele origin: germline.
Comment: This variant is classified as likely benign based on ACMG/AMP sequence variant interpretation guidelines (Richards et al. 2015 PMID: 25741868, with internal and published modifications).

NM_020765.3(UBR4):c.6989A>G (p.Asn2330Ser)

Gene: UBR4 (ubiquitin protein ligase E3 component n-recognin 4; minus strand). Cytogenetic location: 1p36.13.
Variant type: single nucleotide variant.
Coding change: c.6989A>G on transcript NM_020765.3 (MANE Select); coding-DNA position 6989, A replaced by G.
Protein change: p.Asn2330Ser; replaces asparagine 2330 with serine.
Molecular consequence: missense variant.
Genome position (GRCh38, 1-based): chr1:19,152,320, T>C on the plus strand (A>G on the coding strand, the complement: UBR4 is on the minus strand). VCF-style: chr1-19152320-T-C. GRCh37 (hg19) VCF-style: chr1-19478814-T-C.
Other names: short protein forms N2330S.
Identifiers: ClinVar variation 3041676 (VCV003041676.2), dbSNP rs147127000, ClinGen allele CA650190.